The following is an entry in ClinVar:

NM_152594.3(SPRED1):c.161G>C (p.Gly54Ala)

Gene: SPRED1 (sprouty related EVH1 domain containing 1; plus strand). Cytogenetic location: 15q14.
Variant type: single nucleotide variant.
Coding change: c.161G>C on transcript NM_152594.3 (MANE Select); coding-DNA position 161, G replaced by C.
Protein change: p.Gly54Ala; replaces glycine 54 with alanine.
Molecular consequence: missense variant.
Genome position (GRCh38, 1-based): chr15:38,299,501, G>C. VCF-style: chr15-38299501-G-C. GRCh37 (hg19) VCF-style: chr15-38591702-G-C.
Other names: c.161G>C (NM_152594.2); short protein forms G54A.
Identifiers: ClinVar variation 1989584 (VCV001989584.5), dbSNP rs1895110134, ClinGen allele CA391934380.

ClinVar aggregate classification (germline): Uncertain significance. Review status: criteria provided, multiple submitters, no conflicts (2 of 4 stars). 2 submissions from 2 submitters: Uncertain significance (2). Last evaluated 2025-03-28.

Conditions:
Legius syndrome. Identifiers: Orphanet 137605, MedGen C1969623, MONDO:0012669, OMIM 611431. Disease mechanism: loss of function.
Cardiovascular phenotype. Identifiers: MedGen CN230736.

Allele frequency attached by ClinVar (database versions not stated): TOPMed below 0.00001.

Submissions (2):

Ambry Genetics
Classification: Uncertain significance for Cardiovascular phenotype. Last evaluated: 2025-03-28. Review status: criteria provided, single submitter. Criteria: Ambry Variant Classification Scheme 2023. Collection method: clinical testing. Allele origin: germline.
Comment: The p.G54A variant (also known as c.161G>C), located in coding exon 2 of the SPRED1 gene, results from a G to C substitution at nucleotide position 161. The glycine at codon 54 is replaced by alanine, an amino acid with similar properties. This amino acid position is conserved. In addition, the in silico prediction for this alteration is inconclusive. Based on the available evidence, the clinical significance of this variant remains unclear.

Labcorp Genetics (formerly Invitae), Labcorp
Classification: Uncertain significance for Legius syndrome. Last evaluated: 2022-08-19. Review status: criteria provided, single submitter. Criteria: Invitae Variant Classification Sherloc (09022015). Collection method: clinical testing. Allele origin: germline.
Comment: This sequence change replaces glycine, which is neutral and non-polar, with alanine, which is neutral and non-polar, at codon 54 of the SPRED1 protein (p.Gly54Ala). This variant is not present in population databases (gnomAD no frequency). This variant has not been reported in the literature in individuals affected with SPRED1-related conditions. Algorithms developed to predict the effect of missense changes on protein structure and function are either unavailable or do not agree on the potential impact of this missense change (SIFT: "Tolerated"; PolyPhen-2: "Possibly Damaging"; Align-GVGD: "Class C0"). In summary, the available evidence is currently insufficient to determine the role of this variant in disease. Therefore, it has been classified as a Variant of Uncertain Significance.